The following is an entry in ClinVar:

NM_001165963.4(SCN1A):c.3246T>C (p.Thr1082=)

Genes: SCN1A (sodium voltage-gated channel alpha subunit 1; minus strand), LOC102724058 (uncharacterized LOC102724058; plus strand). Cytogenetic location: 2q24.3.
Variant type: single nucleotide variant.
Coding change: c.3246T>C on transcript NM_001165963.4 (MANE Select); coding-DNA position 3246, T replaced by C.
Protein change: p.Thr1082=; no amino-acid change (threonine 1082 retained).
Molecular consequence: synonymous variant. On other transcripts: non-coding transcript variant (2).
Genome position (GRCh38, 1-based): chr2:166,036,231, A>G on the plus strand (T>C on the coding strand, the complement: SCN1A is on the minus strand). VCF-style: chr2-166036231-A-G. GRCh37 (hg19) VCF-style: chr2-166892741-A-G.
Other names: c.3162T>C, p.Thr1054= (NM_001165964.3, NM_001353957.2, NM_001353958.2); c.3246T>C, p.Thr1082= (NM_001202435.3, NM_001353948.2); c.3213T>C, p.Thr1071= (NM_001353949.2, NM_001353950.2, NM_001353951.2 and 2 more transcripts); c.3210T>C, p.Thr1070= (NM_001353954.2, NM_001353955.2); c.3159T>C, p.Thr1053= (NM_001353960.2); c.804T>C, p.Thr268= (NM_001353961.2).
Identifiers: ClinVar variation 507593 (VCV000507593.10), dbSNP rs961517010, ClinGen allele CA59787266.

ClinVar aggregate classification (germline): Likely benign. Review status: criteria provided, multiple submitters, no conflicts (2 of 4 stars). 2 submissions from 2 submitters: Likely benign (2). Last evaluated 2022-07-05.

Conditions:
Early-infantile DEE. Also called: Ohtahara syndrome; Early infantile epileptic encephalopathy; Early infantile epileptic encephalopathy with suppression bursts. Identifiers: Orphanet 1934, MedGen C0393706, MONDO:0800491.

Allele frequency attached by ClinVar (database versions not stated): gnomAD exomes 0.00001 and below 0.00001; TOPMed below 0.00001.
gnomAD v4.1: 2 of 1,613,910 alleles (0.00012%); highest among the groups gnomAD compares: Admixed American, 0.0033%; no homozygotes.

Submissions (2):

Labcorp Genetics (formerly Invitae), Labcorp
Classification: Likely benign for Early-infantile DEE. Last evaluated: 2022-07-05. Review status: criteria provided, single submitter. Criteria: Invitae Variant Classification Sherloc (09022015). Collection method: clinical testing. Allele origin: germline.

GeneDx
Classification: Likely benign. Last evaluated: 2017-02-22. Review status: criteria provided, single submitter. Criteria: GeneDx Variant Classification (06012015). Collection method: clinical testing. Allele origin: germline. Affected: yes.
Comment: This variant is considered likely benign or benign based on one or more of the following criteria: it is a conservative change, it occurs at a poorly conserved position in the protein, it is predicted to be benign by multiple in silico algorithms, and/or has population frequency not consistent with disease.